The following is an entry in ClinVar:

NM_000352.6(ABCC8):c.625G>A (p.Asp209Asn)

Gene: ABCC8 (ATP binding cassette subfamily C member 8; minus strand). Cytogenetic location: 11p15.1.
Variant type: single nucleotide variant.
Coding change: c.625G>A on transcript NM_000352.6 (MANE Select); coding-DNA position 625, G replaced by A.
Protein change: p.Asp209Asn; replaces aspartic acid 209 with asparagine.
Molecular consequence: missense variant. On other transcripts: non-coding transcript variant (1).
Genome position (GRCh38, 1-based): chr11:17,461,780, C>T on the plus strand (G>A on the coding strand, the complement: ABCC8 is on the minus strand). VCF-style: chr11-17461780-C-T. GRCh37 (hg19) VCF-style: chr11-17483327-C-T.
Other names: c.625G>A, p.Asp209Asn (NM_001287174.3, NM_001351295.2, NM_001351296.2 and 1 more transcripts); short protein forms D209N.
Identifiers: ClinVar variation 1338515 (VCV001338515.4), dbSNP rs2133680501, ClinGen allele CA379779069.

ClinVar aggregate classification (germline): Likely pathogenic (1 of 4 stars; one submission).

Submission:

Genetic Services Laboratory, University of Chicago
Classification: Likely pathogenic. Last evaluated: 2019-04-22. Review status: criteria provided, single submitter. Criteria: ACMG Guidelines, 2015. Collection method: clinical testing. Allele origin: germline. Affected: yes.
Comment: DNA sequence analysis of the ABCC8 gene demonstrated a sequence change, c.625G>A, in exon 5 that results in an amino acid change, p.Asp209Asn. This sequence change has not been described in large population databases such as EXAC and gnomAD. The p.Asp209Asn change affects a highly conserved amino acid residue located in a domain of the ABCC8 protein that is known to be functional. In-silico pathogenicity prediction tools (SIFT, PolyPhen2, Align GVGD, REVEL) provide contradictory results for the p.Asp209Asn substitution. This particular amino acid has been described in the literature in other patients with ABCC8-related neonatal diabetes (Rafiq M et al., 2008). Furthermore, a different pathogenic sequence change affecting the same amino acid residue (p.Asp209Glu) has also been described in a patient with neonatal diabetes (PMID: 17668386). " DNA sequence analysis of the ABCC8 gene demonstrated a sequence change, c.625G>A, in exon 5 that results in an amino acid change, p.Asp209Asn. This sequence change has not been described in large population databases such as EXAC and gnomAD. The p.Asp209Asn change affects a highly conserved amino acid residue located in a domain of the ABCC8 protein that is known to be functional. In-silico pathogenicity prediction tools (SIFT, PolyPhen2, Align GVGD, REVEL) provide contradictory results for the p.Asp209Asn substitution. This particular amino acid has been described in the literature in other patients with ABCC8-related neonatal diabetes (PMID: 18025408). Furthermore, a different pathogenic sequence change affecting the same amino acid residue (p.Asp209Glu) has also been described in a patient with neonatal diabetes (PMID: 17668386).